The following is an entry in ClinVar:

NM_001943.5(DSG2):c.285A>G (p.Thr95=)

Gene: DSG2 (desmoglein 2; plus strand). Cytogenetic location: 18q12.1.
Variant type: single nucleotide variant.
Coding change: c.285A>G on transcript NM_001943.5 (MANE Select); coding-DNA position 285, A replaced by G.
Protein change: p.Thr95=; no amino-acid change (threonine 95 retained).
Molecular consequence: synonymous variant.
Genome position (GRCh38, 1-based): chr18:31,520,871, A>G. VCF-style: chr18-31520871-A-G. GRCh37 (hg19) VCF-style: chr18-29100834-A-G.
Identifiers: ClinVar variation 3072695 (VCV003072695.1), dbSNP rs2510910818, ClinGen allele CA503597003.

ClinVar aggregate classification (germline): Likely benign (1 of 4 stars; one submission).

Conditions:
Arrhythmogenic right ventricular cardiomyopathy (ARVD). Also called: Arrhythmogenic right ventricular dysplasia; Cardiomyopathy, ARVC; Arrhythmogenic cardiomyopathy; Arrhythmogenic Right Ventricular Cardiomyopathy (ARVC). Identifiers: Orphanet 247, MedGen C0349788, MeSH D019571, MONDO:0016587. Disease mechanism: loss of function. Inheritance: Various modes of inheritance.

Submission:

All of Us Research Program, National Institutes of Health
Classification: Likely benign for Arrhythmogenic right ventricular cardiomyopathy. Last evaluated: 2023-08-15. Review status: criteria provided, single submitter. Criteria: ACMG Guidelines, 2015. Collection method: clinical testing. Allele origin: germline. Inheritance: Autosomal dominant inheritance. Observed: 1 variant allele, 1 heterozygote.
Comment: This study involves interpretation of variants in research participants for the purpose of population health screening. Participant phenotype was not available at the time of variant classification. Additional details can be found in publication PMID: 35346344, PMCID: PMC8962531